The following is an entry in ClinVar:

NM_012471.3(TRPC5):c.2699A>C (p.Asn900Thr)

Gene: TRPC5 (transient receptor potential cation channel subfamily C member 5; minus strand). Cytogenetic location: Xq23.
Variant type: single nucleotide variant.
Coding change: c.2699A>C on transcript NM_012471.3 (MANE Select); coding-DNA position 2699, A replaced by C.
Protein change: p.Asn900Thr; replaces asparagine 900 with threonine.
Molecular consequence: missense variant.
Genome position (GRCh38, 1-based): chrX:111,776,536, T>G on the plus strand (A>C on the coding strand, the complement: TRPC5 is on the minus strand). VCF-style: chrX-111776536-T-G. GRCh37 (hg19) VCF-style: chrX-111019764-T-G.
Other names: short protein forms N900T.
Identifiers: ClinVar variation 3183246 (VCV003183246.2), dbSNP rs183309627, ClinGen allele CA10494125.

ClinVar aggregate classification (germline): Uncertain significance. Review status: criteria provided, multiple submitters, no conflicts (2 of 4 stars). 2 submissions from 2 submitters: Uncertain significance (2). Last evaluated 2025-05-06.

Conditions:
TRPC5-related disorder. Also called: TRPC5-related condition.

Allele frequency attached by ClinVar (database versions not stated): gnomAD exomes 0.00001; TOPMed 0.00001; ExAC 0.00003; gnomAD 0.00004; 1000 Genomes Project 30x 0.00021; 1000 Genomes Project 0.00026.
gnomAD v4.1: 11 of 1,209,748 alleles (0.00091%); highest among the groups gnomAD compares: East Asian, 0.021%; no homozygotes.

Submissions (2):

PreventionGenetics, part of Exact Sciences
Classification: Uncertain significance for TRPC5-related condition. Last evaluated: 2025-05-06. Review status: criteria provided, single submitter. Criteria: ACMG Guidelines, 2015. Collection method: clinical testing. Allele origin: germline.
Comment: The TRPC5 c.2699A>C variant is predicted to result in the amino acid substitution p.Asn900Thr. To our knowledge, this variant has not been reported in the literature. This variant is reported in 0.034% of alleles in individuals of East Asian descent in gnomAD. At this time, the clinical significance of this variant is uncertain due to the absence of conclusive functional and genetic evidence.

Ambry Genetics
Classification: Uncertain significance. Last evaluated: 2023-11-21. Review status: criteria provided, single submitter. Criteria: Ambry Variant Classification Scheme 2023. Collection method: clinical testing. Allele origin: germline.